The following is an entry in ClinVar:

NM_138694.4(PKHD1):c.1218G>T (p.Glu406Asp)

Gene: PKHD1 (PKHD1 ciliary IPT domain containing fibrocystin/polyductin; minus strand). Cytogenetic location: 6p12.2.
Variant type: single nucleotide variant.
Coding change: c.1218G>T on transcript NM_138694.4 (MANE Select); coding-DNA position 1218, G replaced by T.
Protein change: p.Glu406Asp; replaces glutamic acid 406 with aspartic acid.
Molecular consequence: missense variant.
Genome position (GRCh38, 1-based): chr6:52,059,943, C>A on the plus strand (G>T on the coding strand, the complement: PKHD1 is on the minus strand). VCF-style: chr6-52059943-C-A. GRCh37 (hg19) VCF-style: chr6-51924741-C-A.
Other names: c.1218G>T, p.Glu406Asp (NM_170724.3); short protein forms E406D.
Identifiers: ClinVar variation 1210458 (VCV001210458.6), dbSNP rs748017071, ClinGen allele CA3853619.

ClinVar aggregate classification (germline): Uncertain significance. Review status: criteria provided, multiple submitters, no conflicts (2 of 4 stars). 3 submissions from 3 submitters: Uncertain significance (2). 1 of the submissions does not count toward it. Last evaluated 2022-11-11.

Conditions:
Polycystic kidney disease 4 (PKD4). Also called: POLYCYSTIC KIDNEY DISEASE 4 WITH OR WITHOUT POLYCYSTIC LIVER DISEASE; POLYCYSTIC KIDNEY AND HEPATIC DISEASE 1; POLYCYSTIC KIDNEY DISEASE, INFANTILE, TYPE I; PKD3; Autosomal Recessive Polycystic Kidney Disease – PKHD1. Identifiers: MedGen C4540575, MONDO:0033004, OMIM 263200.
PKHD1-related disorder. Also called: PKHD1-related condition.

Allele frequency attached by ClinVar (database versions not stated): gnomAD exomes 0.00001 and 0.00002; ExAC 0.00002.
gnomAD v4.1: 11 of 1,556,866 alleles (0.00071%); highest among the groups gnomAD compares: South Asian, 0.01%; no homozygotes.

Submissions (3):

GeneDx
Classification: Uncertain significance. Last evaluated: 2022-11-11. Review status: criteria provided, single submitter. Criteria: GeneDx Variant Classification Process June 2021. Collection method: clinical testing. Allele origin: germline. Affected: yes.
Comment: In silico analysis supports that this missense variant does not alter protein structure/function; Has not been previously published as pathogenic or benign to our knowledge

Genome-Nilou Lab
Classification: Uncertain significance for Polycystic kidney disease 4. Last evaluated: 2021-07-22. Review status: criteria provided, single submitter. Criteria: ACMG Guidelines, 2015. Collection method: clinical testing. Allele origin: germline. Affected: no.

PreventionGenetics, part of Exact Sciences
Classification: Uncertain significance for PKHD1-related condition. Last evaluated: 2024-04-10. Review status: no assertion criteria provided. Collection method: clinical testing. Allele origin: germline. Not counted in ClinVar's aggregate classification.
Comment: The PKHD1 c.1218G>T variant is predicted to result in the amino acid substitution p.Glu406Asp. To our knowledge, this variant has not been reported in the literature. This variant is reported in 0.016% of alleles in individuals of South Asian descent in gnomAD. At this time, the clinical significance of this variant is uncertain due to the absence of conclusive functional and genetic evidence.